The following is an entry in ClinVar:

ClinVar aggregate classification (germline): Uncertain significance (1 of 4 stars; one submission).

Conditions:
Autosomal dominant nonsyndromic hearing loss 68. Also called: Deafness, autosomal dominant 68. Identifiers: Orphanet 90635, MedGen C4225240, MONDO:0014740, OMIM 616707.

Submission:

Clinical Genomics Laboratory, Washington University in St. Louis
Classification: Uncertain significance for Autosomal dominant nonsyndromic hearing loss 68. Last evaluated: 2023-12-17. Review status: criteria provided, single submitter. Criteria: ACMG Guidelines, 2015. Collection method: clinical testing. Allele origin: germline.
Comment: The HOMER2 c.1022C>A (p.Thr341Asn) variant, to our knowledge, has not been reported in the medical literature and is absent from the general population (gnomAD v.2.1.1), indicating it is not a common variant. Computational predictors suggest that the variant does not impact HOMER2 function. Due to limited information, and based on ACMG/AMP guidelines for variant interpretation (Richards S et al., PMID: 25741868), the clinical significance of this variant is uncertain at this time.

NM_004839.4(HOMER2):c.1022C>A (p.Thr341Asn)

Gene: HOMER2 (homer scaffold protein 2; minus strand). Cytogenetic location: 15q25.2.
Variant type: single nucleotide variant.
Coding change: c.1022C>A on transcript NM_004839.4 (MANE Select); coding-DNA position 1022, C replaced by A.
Protein change: p.Thr341Asn; replaces threonine 341 with asparagine.
Molecular consequence: missense variant.
Genome position (GRCh38, 1-based): chr15:82,849,725, G>T on the plus strand (C>A on the coding strand, the complement: HOMER2 is on the minus strand). VCF-style: chr15-82849725-G-T. GRCh37 (hg19) VCF-style: chr15-83518477-G-T.
Other names: c.1055C>A, p.Thr352Asn (NM_199330.3); short protein forms T341N, T352N.
Identifiers: ClinVar variation 3236618 (VCV003236618.1), dbSNP rs2505107155, ClinGen allele CA393318559.
Genomic context (GRCh38, chr15:82,849,725, plus strand): 5'-CTCGCACACACGCTTGGGACTCACGGGCGGGGCCTGGGCCTCGGCCAGCCCTAGTTATCG[G>T]TGCCCAGCTTGGAGAGCCCTCGGCGGAAGTCATGCAGGTCGTCAATCTTCCCGTCCAGCA-3'
Protein context (NP_004830.2, residues 331-343): DFRRGLSKLG[Thr341Asn]DN